The following is an entry in ClinVar:

NM_003640.5(ELP1):c.2579A>G (p.Glu860Gly)

Gene: ELP1 (elongator acetyltransferase complex subunit 1; minus strand). Cytogenetic location: 9q31.3.
Variant type: single nucleotide variant.
Coding change: c.2579A>G on transcript NM_003640.5 (MANE Select); coding-DNA position 2579, A replaced by G.
Protein change: p.Glu860Gly; replaces glutamic acid 860 with glycine.
Molecular consequence: missense variant.
Genome position (GRCh38, 1-based): chr9:108,896,961, T>C on the plus strand (A>G on the coding strand, the complement: ELP1 is on the minus strand). VCF-style: chr9-108896961-T-C. GRCh37 (hg19) VCF-style: chr9-111659241-T-C.
Other names: c.2237A>G, p.Glu746Gly (NM_001318360.2); c.1532A>G, p.Glu511Gly (NM_001330749.2); short protein forms E746G, E511G, E860G.
Identifiers: ClinVar variation 954092 (VCV000954092.8), dbSNP rs199796698, ClinGen allele CA5174598.

ClinVar aggregate classification (germline): Uncertain significance. Review status: criteria provided, multiple submitters, no conflicts (2 of 4 stars). 4 submissions from 4 submitters: Uncertain significance (3). 1 of the submissions does not count toward it. Last evaluated 2024-01-10.

Conditions:
Familial dysautonomia. Also called: FD; HSAN III. Identifiers: Orphanet 1764, MedGen C0013364, MONDO:0009131, OMIM 223900. Disease mechanism: loss of function.
Medulloblastoma (MDB). Also called: MEDULLOBLASTOMA PREDISPOSITION SYNDROME; Medulloblastoma, somatic. Identifiers: Orphanet 616, MedGen C0025149, MeSH D008527, MONDO:0007959, OMIM 155255, HP:0002885.

Allele frequency attached by ClinVar (database versions not stated): gnomAD exomes 0.00002; TOPMed 0.00005; 1000 Genomes Project 0.00040; 1000 Genomes Project 30x 0.00047.
gnomAD v4.1: 34 of 1,613,746 alleles (0.0021%); highest among the groups gnomAD compares: Non-Finnish European, 0.0022%; no homozygotes.

Submissions (4):

Fulgent Genetics
Classification: Uncertain significance for Medulloblastoma; Familial dysautonomia. Last evaluated: 2024-01-10. Review status: criteria provided, single submitter. Criteria: ACMG Guidelines, 2015. Collection method: clinical testing. Allele origin: germline.

Ambry Genetics
Classification: Uncertain significance. Last evaluated: 2023-08-14. Review status: criteria provided, single submitter. Criteria: Ambry Variant Classification Scheme 2023. Collection method: clinical testing. Allele origin: germline.

Labcorp Genetics (formerly Invitae), Labcorp
Classification: Uncertain significance. Last evaluated: 2021-12-01. Review status: criteria provided, single submitter. Criteria: Invitae Variant Classification Sherloc (09022015). Collection method: clinical testing. Allele origin: germline.
Comment: This sequence change replaces glutamic acid, which is acidic and polar, with glycine, which is neutral and non-polar, at codon 860 of the ELP1 protein (p.Glu860Gly). This variant is present in population databases (rs199796698, gnomAD 0.009%). This variant has not been reported in the literature in individuals affected with ELP1-related conditions. ClinVar contains an entry for this variant (Variation ID: 954092). Algorithms developed to predict the effect of missense changes on protein structure and function are either unavailable or do not agree on the potential impact of this missense change (SIFT: "Deleterious"; PolyPhen-2: "Possibly Damaging"; Align-GVGD: "Class C0"). In summary, the available evidence is currently insufficient to determine the role of this variant in disease. Therefore, it has been classified as a Variant of Uncertain Significance.

Natera, Inc.
Classification: Uncertain significance for Familial dysautonomia. Last evaluated: 2020-07-22. Review status: no assertion criteria provided. Collection method: clinical testing. Allele origin: germline. Not counted in ClinVar's aggregate classification.